The following is an entry in ClinVar:

ClinVar aggregate classification (germline): Uncertain significance (1 of 4 stars; one submission).

Allele frequency attached by ClinVar (database versions not stated): ExAC 0.00002; gnomAD 0.00004.
gnomAD v4.1: 11 of 1,612,768 alleles (0.00068%); highest among the groups gnomAD compares: African/African-American, 0.012%; no homozygotes.

Submission:

Labcorp Genetics (formerly Invitae), Labcorp
Classification: Uncertain significance. Last evaluated: 2022-05-04. Review status: criteria provided, single submitter. Criteria: Invitae Variant Classification Sherloc (09022015). Collection method: clinical testing. Allele origin: germline.
Comment: In summary, the available evidence is currently insufficient to determine the role of this variant in disease. Therefore, it has been classified as a Variant of Uncertain Significance. Algorithms developed to predict the effect of sequence changes on RNA splicing suggest that this variant may create or strengthen a splice site. Algorithms developed to predict the effect of missense changes on protein structure and function are either unavailable or do not agree on the potential impact of this missense change (SIFT: "Deleterious"; PolyPhen-2: "Benign"; Align-GVGD: "Class C55"). This variant has not been reported in the literature in individuals affected with UQCC2-related conditions. This variant is present in population databases (rs758762188, gnomAD 0.007%). This sequence change replaces alanine, which is neutral and non-polar, with valine, which is neutral and non-polar, at codon 38 of the UQCC2 protein (p.Ala38Val).

NM_032340.4(UQCC2):c.113C>T (p.Ala38Val)

Gene: UQCC2 (ubiquinol-cytochrome c reductase complex assembly factor 2; minus strand). Cytogenetic location: 6p21.31.
Variant type: single nucleotide variant.
Coding change: c.113C>T on transcript NM_032340.4 (MANE Select); coding-DNA position 113, C replaced by T.
Protein change: p.Ala38Val; replaces alanine 38 with valine.
Molecular consequence: missense variant.
Genome position (GRCh38, 1-based): chr6:33,711,574, G>A on the plus strand (C>T on the coding strand, the complement: UQCC2 is on the minus strand). VCF-style: chr6-33711574-G-A. GRCh37 (hg19) VCF-style: chr6-33679351-G-A.
Other names: short protein forms A38V.
Identifiers: ClinVar variation 1956668 (VCV001956668.5), dbSNP rs758762188, ClinGen allele CA3762542.
Genomic context (GRCh38, chr6:33,711,574, plus strand): 5'-CCTCCCCTCGTCCCAGCCGCCTCCCCGCCGGTCACCTGGGTATTCTCTCCCTCCCGAAAG[G>A]CCTGTGCTACCCGCTGTCGCAGGTAAGCGCCCAAGTCCCGGCCCCGTTTGGTCTCGTCCA-3'
Protein context (NP_115716.1, residues 28-48): GAYLRQRVAQ[Ala38Val]FREGENTQVA